The following is an entry in ClinVar:

NM_007126.5(VCP):c.1708G>T (p.Ala570Ser)

Gene: VCP (valosin containing protein; minus strand). Cytogenetic location: 9p13.3.
Variant type: single nucleotide variant.
Coding change: c.1708G>T on transcript NM_007126.5 (MANE Select); coding-DNA position 1708, G replaced by T.
Protein change: p.Ala570Ser; replaces alanine 570 with serine.
Molecular consequence: missense variant.
Genome position (GRCh38, 1-based): chr9:35,059,789, C>A on the plus strand (G>T on the coding strand, the complement: VCP is on the minus strand). VCF-style: chr9-35059789-C-A. GRCh37 (hg19) VCF-style: chr9-35059786-C-A.
Other names: c.1573G>T, p.Ala525Ser (NM_001354927.2, NM_001354928.2); short protein forms A525S, A570S.
Identifiers: ClinVar variation 1778498 (VCV001778498.2), dbSNP rs2490348796, ClinGen allele CA373277013.

ClinVar aggregate classification (germline): Uncertain significance (1 of 4 stars; one submission).

Conditions:
Inborn genetic diseases. Identifiers: MedGen C0950123, MeSH D030342.

Submission:

Ambry Genetics
Classification: Uncertain significance for Inborn genetic diseases. Last evaluated: 2020-03-18. Review status: criteria provided, single submitter. Criteria: Ambry Variant Classification Scheme 2023. Collection method: clinical testing. Allele origin: germline.
Comment: The p.A570S variant (also known as c.1708G>T), located in coding exon 14 of the VCP gene, results from a G to T substitution at nucleotide position 1708. The alanine at codon 570 is replaced by serine, an amino acid with similar properties. This amino acid position is highly conserved in available vertebrate species. In addition, the in silico prediction for this alteration is inconclusive. Since supporting evidence is limited at this time, the clinical significance of this alteration remains unclear.